The following is an entry in ClinVar:

NM_024422.6(DSC2):c.776-3T>C

Gene: DSC2 (desmocollin 2; minus strand). Cytogenetic location: 18q12.1.
Variant type: single nucleotide variant.
Coding change: c.776-3T>C on transcript NM_024422.6 (MANE Select); 3 bases into the intron before coding-DNA position 776, T replaced by C.
Molecular consequence: intron variant.
Genome position (GRCh38, 1-based): chr18:31,086,745, A>G on the plus strand (T>C on the coding strand, the complement: DSC2 is on the minus strand). VCF-style: chr18-31086745-A-G. GRCh37 (hg19) VCF-style: chr18-28666708-A-G.
Other names: c.776-3T>C (NM_004949.5).
Identifiers: ClinVar variation 919199 (VCV000919199.8), dbSNP rs752192642, ClinGen allele CA040040.

ClinVar aggregate classification (germline): Conflicting classifications of pathogenicity. Review status: criteria provided, conflicting classifications (1 of 4 stars). 3 submissions from 3 submitters: Uncertain significance (2); Likely benign (1). Last evaluated 2025-12-22.

Conditions:
Arrhythmogenic right ventricular dysplasia 11. Also called: ARRHYTHMOGENIC RIGHT VENTRICULAR DYSPLASIA, FAMILIAL, 11; Arrhythmogenic Right Ventricular Dysplasia/Cardiomyopathy11; Arrhythmogenic right ventricular dysplasia 11 with mild palmoplantar keratoderma and woolly hair. Identifiers: MedGen C1864850, MONDO:0012506, OMIM 610476.
Cardiomyopathy (CMYO). Also called: Cardiomyopathies. Identifiers: Orphanet 167848, MedGen C0878544, MONDO:0004994, HP:0001638. Inheritance: Various modes of inheritance.

Allele frequency attached by ClinVar (database versions not stated): gnomAD exomes below 0.00001; TOPMed below 0.00001; ExAC 0.00002.
gnomAD v4.1: 4 of 1,613,698 alleles (0.00025%); highest among the groups gnomAD compares: South Asian, 0.0011%; no homozygotes.

Submissions (3):

Labcorp Genetics (formerly Invitae), Labcorp
Classification: Uncertain significance for Arrhythmogenic right ventricular dysplasia 11. Last evaluated: 2025-12-22. Review status: criteria provided, single submitter. Criteria: Invitae Variant Classification Sherloc (09022015). Collection method: clinical testing. Allele origin: germline.
Comment: This sequence change falls in intron 6 of the DSC2 gene. It does not directly change the encoded amino acid sequence of the DSC2 protein. It affects a nucleotide within the consensus splice site. This variant is present in population databases (rs752192642, gnomAD 0.003%). This variant has not been reported in the literature in individuals affected with DSC2-related conditions. ClinVar contains an entry for this variant (Variation ID: 919199). Variants that disrupt the consensus splice site are a relatively common cause of aberrant splicing (PMID: 17576681, 9536098). Algorithms developed to predict the effect of sequence changes on RNA splicing suggest that this variant is not likely to affect RNA splicing. In summary, the available evidence is currently insufficient to determine the role of this variant in disease. Therefore, it has been classified as a Variant of Uncertain Significance.

KardioGenetik, Herz- und Diabeteszentrum NRW
Classification: Uncertain significance for Arrhythmogenic right ventricular dysplasia 11. Last evaluated: 2023-12-27. Review status: criteria provided, single submitter. Criteria: ACMG Guidelines, 2015. Collection method: clinical testing. Allele origin: unknown. Affected: yes. Observed: 1 variant allele.

Color Diagnostics, LLC DBA Color Health
Classification: Likely benign for Cardiomyopathy. Last evaluated: 2019-06-04. Review status: criteria provided, single submitter. Criteria: ACMG Guidelines, 2015. Collection method: clinical testing. Allele origin: germline.

Literature cited by the submitters: PubMed 17576681 (cited by Labcorp Genetics (formerly Invitae), Labcorp); PubMed 9536098 (cited by Labcorp Genetics (formerly Invitae), Labcorp).